The following is an entry in ClinVar:

NM_001197104.2(KMT2A):c.10595C>T (p.Ser3532Leu)

Gene: KMT2A (lysine methyltransferase 2A; plus strand). Cytogenetic location: 11q23.3.
Variant type: single nucleotide variant.
Coding change: c.10595C>T on transcript NM_001197104.2 (MANE Select); coding-DNA position 10595, C replaced by T.
Protein change: p.Ser3532Leu; replaces serine 3532 with leucine.
Molecular consequence: missense variant.
Genome position (GRCh38, 1-based): chr11:118,506,487, C>T. VCF-style: chr11-118506487-C-T. GRCh37 (hg19) VCF-style: chr11-118377202-C-T.
Other names: c.10685C>T, p.Ser3562Leu (NM_001412597.1); c.10586C>T, p.Ser3529Leu (NM_005933.4); short protein forms S3532L, S3562L, S3529L.
Identifiers: ClinVar variation 2047043 (VCV002047043.4), dbSNP rs1950585779, ClinGen allele CA382826362.

ClinVar aggregate classification (germline): Uncertain significance (1 of 4 stars; one submission).

Allele frequency attached by ClinVar (database versions not stated): gnomAD exomes below 0.00001.
gnomAD v4.1: 2 of 1,614,212 alleles (0.00012%); highest among the groups gnomAD compares: Non-Finnish European, 0.00017%; no homozygotes.

Submission:

Labcorp Genetics (formerly Invitae), Labcorp
Classification: Uncertain significance. Last evaluated: 2022-05-16. Review status: criteria provided, single submitter. Criteria: Invitae Variant Classification Sherloc (09022015). Collection method: clinical testing. Allele origin: germline.
Comment: This sequence change replaces serine, which is neutral and polar, with leucine, which is neutral and non-polar, at codon 3532 of the KMT2A protein (p.Ser3532Leu). This variant is not present in population databases (gnomAD no frequency). This variant has not been reported in the literature in individuals affected with KMT2A-related conditions. Advanced modeling of protein sequence and biophysical properties (such as structural, functional, and spatial information, amino acid conservation, physicochemical variation, residue mobility, and thermodynamic stability) performed at Invitae indicates that this missense variant is not expected to disrupt KMT2A protein function. In summary, the available evidence is currently insufficient to determine the role of this variant in disease. Therefore, it has been classified as a Variant of Uncertain Significance.